The following is an entry in ClinVar:

NM_053025.4(MYLK):c.1062G>A (p.Pro354=)

Gene: MYLK (myosin light chain kinase; minus strand). Cytogenetic location: 3q21.1.
Variant type: single nucleotide variant.
Coding change: c.1062G>A on transcript NM_053025.4 (MANE Select); coding-DNA position 1062, G replaced by A.
Protein change: p.Pro354=; no amino-acid change (proline 354 retained).
Molecular consequence: synonymous variant.
Genome position (GRCh38, 1-based): chr3:123,733,934, C>T on the plus strand (G>A on the coding strand, the complement: MYLK is on the minus strand). VCF-style: chr3-123733934-C-T. GRCh37 (hg19) VCF-style: chr3-123452781-C-T.
Other names: c.534G>A, p.Pro178= (NM_001321309.2); c.1062G>A, p.Pro354= (NM_053026.4, NM_053027.4, NM_053028.4).
Identifiers: ClinVar variation 1214408 (VCV001214408.32), dbSNP rs149571440, ClinGen allele CA066662.

ClinVar aggregate classification (germline): Likely benign. Review status: criteria provided, multiple submitters, no conflicts (2 of 4 stars). 5 submissions from 5 submitters: Likely benign (5). Last evaluated 2026-05-18.

Conditions:
MYLK-related disorder. Also called: MYLK-related condition.
Familial thoracic aortic aneurysm and aortic dissection (TAAD). Also called: Thoracic aortic aneurysms and dissections. Identifiers: Orphanet 91387, MedGen C4707243, MONDO:0019625.
Aortic aneurysm, familial thoracic 7 (AAT7). Also called: AORTIC DISSECTION, FAMILIAL, WITH OR WITHOUT AORTIC ANEURYSM. Identifiers: MedGen C3151077, MONDO:0013418, OMIM 613780.

Allele frequency attached by ClinVar (database versions not stated): ExAC 0.00003; gnomAD 0.00003 and 0.00001; gnomAD exomes 0.00003 and 0.00004; TOPMed 0.00004; ESP Exome Variant Server 0.00008; 1000 Genomes Project 30x 0.00016; 1000 Genomes Project 0.00020.
gnomAD v4.1: 46 of 1,614,158 alleles (0.0028%); highest among the groups gnomAD compares: South Asian, 0.015%; no homozygotes.

Submissions (5):

PreventionGenetics, part of Exact Sciences
Classification: Likely benign for MYLK-related condition. Last evaluated: 2026-05-18. Review status: criteria provided, single submitter. Criteria: ACMG Guidelines, 2015. Collection method: clinical testing. Allele origin: germline.
Comment: This variant is classified as likely benign based on ACMG/AMP sequence variant interpretation guidelines (Richards et al. 2015 PMID: 25741868, with internal and published modifications).

Labcorp Genetics (formerly Invitae), Labcorp
Classification: Likely benign for Aortic aneurysm, familial thoracic 7. Last evaluated: 2025-11-09. Review status: criteria provided, single submitter. Criteria: Invitae Variant Classification Sherloc (09022015). Collection method: clinical testing. Allele origin: germline.

CeGaT Center for Human Genetics Tuebingen
Classification: Likely benign. Last evaluated: 2024-07-01. Review status: criteria provided, single submitter. Criteria: CeGaT Center For Human Genetics Tuebingen Variant Classification Criteria Version 2. Collection method: clinical testing. Allele origin: germline. Affected: yes. Observed: 1 variant allele.
Comment: MYLK: BP4, BP7

GeneDx
Classification: Likely benign. Last evaluated: 2021-09-16. Review status: criteria provided, single submitter. Criteria: GeneDx Variant Classification Process June 2021. Collection method: clinical testing. Allele origin: germline. Affected: yes.

Ambry Genetics
Classification: Likely benign for Familial thoracic aortic aneurysm and aortic dissection. Last evaluated: 2018-09-24. Review status: criteria provided, single submitter. Criteria: Ambry Variant Classification Scheme 2023. Collection method: clinical testing. Allele origin: germline.